The following is an entry in ClinVar:

ClinVar aggregate classification (germline): Uncertain significance. Review status: criteria provided, multiple submitters, no conflicts (2 of 4 stars). 3 submissions from 3 submitters: Uncertain significance (2). 1 of the submissions does not count toward it. Last evaluated 2023-10-10.

Conditions:
Retinal dystrophy. Also called: Inherited retinal dystrophy. Identifiers: Orphanet 71862, MedGen C0854723, MeSH D058499, MONDO:0019118, HP:0000556.

Allele frequency attached by ClinVar (database versions not stated): ExAC 0.00002; TOPMed 0.00002; gnomAD 0.00003; gnomAD exomes 0.00004 and 0.00005.

Submissions (3):

Blueprint Genetics
Classification: Uncertain significance. Last evaluated: 2023-10-10. Review status: criteria provided, single submitter. Criteria: ACMG Guidelines, 2015. Collection method: clinical testing. Allele origin: germline.

Labcorp Genetics (formerly Invitae), Labcorp
Classification: Uncertain significance. Last evaluated: 2022-06-13. Review status: criteria provided, single submitter. Criteria: Invitae Variant Classification Sherloc (09022015). Collection method: clinical testing. Allele origin: germline.
Comment: This sequence change replaces serine, which is neutral and polar, with leucine, which is neutral and non-polar, at codon 517 of the PCARE protein (p.Ser517Leu). This variant is present in population databases (rs753527026, gnomAD 0.008%). This variant has not been reported in the literature in individuals affected with PCARE-related conditions. ClinVar contains an entry for this variant (Variation ID: 964339). Algorithms developed to predict the effect of missense changes on protein structure and function (SIFT, PolyPhen-2, Align-GVGD) all suggest that this variant is likely to be disruptive. In summary, the available evidence is currently insufficient to determine the role of this variant in disease. Therefore, it has been classified as a Variant of Uncertain Significance.

Institute of Human Genetics, Univ. Regensburg, Univ. Regensburg
Classification: Likely pathogenic for Retinal dystrophy. Last evaluated: 2016-01-01. Review status: no assertion criteria provided. Criteria: ACMG Guidelines, 2015. Collection method: clinical testing. Allele origin: germline. Affected: yes. Not counted in ClinVar's aggregate classification.

NM_001029883.3(PCARE):c.1550C>T (p.Ser517Leu)

Gene: PCARE (photoreceptor cilium actin regulator; minus strand). Cytogenetic location: 2p23.2.
Variant type: single nucleotide variant.
Coding change: c.1550C>T on transcript NM_001029883.3 (MANE Select); coding-DNA position 1550, C replaced by T.
Protein change: p.Ser517Leu; replaces serine 517 with leucine.
Molecular consequence: missense variant.
Genome position (GRCh38, 1-based): chr2:29,072,712, G>A on the plus strand (C>T on the coding strand, the complement: PCARE is on the minus strand). VCF-style: chr2-29072712-G-A. GRCh37 (hg19) VCF-style: chr2-29295578-G-A.
Other names: short protein forms S517L.
Identifiers: ClinVar variation 964339 (VCV000964339.7), dbSNP rs753527026, ClinGen allele CA1592401.